The following is an entry in ClinVar:

NM_015425.6(POLR1A):c.1616G>A (p.Cys539Tyr)

Genes: POLR1A (RNA polymerase I subunit A; minus strand), LOC126806264 (MED14-independent group 3 enhancer GRCh37_chr2:86296595-86297794; plus strand). Cytogenetic location: 2p11.2.
Variant type: single nucleotide variant.
Coding change: c.1616G>A on transcript NM_015425.6 (MANE Select); coding-DNA position 1616, G replaced by A.
Protein change: p.Cys539Tyr; replaces cysteine 539 with tyrosine.
Molecular consequence: missense variant.
Genome position (GRCh38, 1-based): chr2:86,070,268, C>T on the plus strand (G>A on the coding strand, the complement: POLR1A is on the minus strand). VCF-style: chr2-86070268-C-T. GRCh37 (hg19) VCF-style: chr2-86297391-C-T.
Other names: short protein forms C539Y.
Identifiers: ClinVar variation 2778591 (VCV002778591.3), dbSNP rs1444830894, ClinGen allele CA347549328.
Genomic context (GRCh38, chr2:86,070,268, plus strand): 5'-GGTCTGTGCAGTGTGGGCTGTCGGTTCAGTAGCAGAATGTCCCCATTCTTCACATGCCGG[C>T]ACACCTGGGAACAGAGTGGACAGGTGGGTGATCAGTGCAAACGTCAGTATCACCACGGCT-3'
Protein context (NP_056240.2, residues 529-549): APKPQGTKIV[Cys539Tyr]RHVKNGDILL

ClinVar aggregate classification (germline): Uncertain significance (1 of 4 stars; one submission).

Allele frequency attached by ClinVar (database versions not stated): gnomAD exomes below 0.00001; TOPMed below 0.00001.
gnomAD v4.1: 3 of 1,607,134 alleles (0.00019%); highest among the groups gnomAD compares: Admixed American, 0.0017%; no homozygotes.

Submission:

Labcorp Genetics (formerly Invitae), Labcorp
Classification: Uncertain significance. Last evaluated: 2024-10-24. Review status: criteria provided, single submitter. Criteria: Invitae Variant Classification Sherloc (09022015). Collection method: clinical testing. Allele origin: germline.
Comment: This sequence change replaces cysteine, which is neutral and slightly polar, with tyrosine, which is neutral and polar, at codon 539 of the POLR1A protein (p.Cys539Tyr). The frequency data for this variant in the population databases is considered unreliable, as metrics indicate poor data quality at this position in the gnomAD database. This variant has not been reported in the literature in individuals affected with POLR1A-related conditions. Invitae Evidence Modeling of protein sequence and biophysical properties (such as structural, functional, and spatial information, amino acid conservation, physicochemical variation, residue mobility, and thermodynamic stability) indicates that this missense variant is not expected to disrupt POLR1A protein function with a negative predictive value of 80%. In summary, the available evidence is currently insufficient to determine the role of this variant in disease. Therefore, it has been classified as a Variant of Uncertain Significance.